The following is an entry in ClinVar:

ClinVar aggregate classification (germline): Uncertain significance (1 of 4 stars; one submission).

Conditions:
Kabuki syndrome. Also called: Kabuki make-up syndrome; NIIKAWA-KUROKI SYNDROME. Identifiers: Orphanet 2322, MedGen C0796004, MONDO:0016512.

Submission:

Labcorp Genetics (formerly Invitae), Labcorp
Classification: Uncertain significance for Kabuki syndrome. Last evaluated: 2024-09-11. Review status: criteria provided, single submitter. Criteria: Invitae Variant Classification Sherloc (09022015). Collection method: clinical testing. Allele origin: germline.
Comment: This sequence change replaces proline, which is neutral and non-polar, with alanine, which is neutral and non-polar, at codon 528 of the KMT2D protein (p.Pro528Ala). This variant is not present in population databases (gnomAD no frequency). This variant has not been reported in the literature in individuals affected with KMT2D-related conditions. Invitae Evidence Modeling of protein sequence and biophysical properties (such as structural, functional, and spatial information, amino acid conservation, physicochemical variation, residue mobility, and thermodynamic stability) indicates that this missense variant is not expected to disrupt KMT2D protein function with a negative predictive value of 95%. In summary, the available evidence is currently insufficient to determine the role of this variant in disease. Therefore, it has been classified as a Variant of Uncertain Significance.

NM_003482.4(KMT2D):c.1582C>G (p.Pro528Ala)

Gene: KMT2D (lysine methyltransferase 2D; minus strand). Cytogenetic location: 12q13.12.
Variant type: single nucleotide variant.
Coding change: c.1582C>G on transcript NM_003482.4 (MANE Select); coding-DNA position 1582, C replaced by G.
Protein change: p.Pro528Ala; replaces proline 528 with alanine.
Molecular consequence: missense variant.
Genome position (GRCh38, 1-based): chr12:49,052,101, G>C on the plus strand (C>G on the coding strand, the complement: KMT2D is on the minus strand). VCF-style: chr12-49052101-G-C. GRCh37 (hg19) VCF-style: chr12-49445884-G-C.
Other names: short protein forms P528A.
Identifiers: ClinVar variation 3711453 (VCV003711453.2).
Genomic context (GRCh38, chr12:49,052,101, plus strand): 5'-GTGGGGACAGGGGCGATGCTTCAGGTGGTGGGGATAGAGGCGTCTCAAGTGCAGGAGATG[G>C]GGGTGACTCTTCCGGTGGAGACAAGGGCGACTCCTCCAGTGGAGAAAAAGGTGATGATTC-3'
Protein context (NP_003473.3, residues 518-538): SPLSPPEESP[Pro528Ala]SPALETPLSP